The following is an entry in ClinVar:

NM_000051.4(ATM):c.7355T>C (p.Leu2452Pro)

Genes: ATM (ATM serine/threonine kinase; plus strand), C11orf65 (chromosome 11 open reading frame 65; minus strand). Cytogenetic location: 11q22.3.
Variant type: single nucleotide variant.
Coding change: c.7355T>C on transcript NM_000051.4 (MANE Select); coding-DNA position 7355, T replaced by C.
Protein change: p.Leu2452Pro; replaces leucine 2452 with proline.
Molecular consequence: missense variant. On other transcripts: intron variant (2).
Genome position (GRCh38, 1-based): chr11:108,330,261, T>C. VCF-style: chr11-108330261-T-C. GRCh37 (hg19) VCF-style: chr11-108200988-T-C.
Other names: NM_000051.4(ATM):c.7355T>C; p.Leu2452Pro; c.7355T>C, p.Leu2452Pro (NM_001351834.2); c.641-21190A>G (NM_001330368.2); c.*38+4959A>G (NM_001351110.2); short protein forms L2452P.
Identifiers: ClinVar variation 481101 (VCV000481101.20), dbSNP rs1555123032, ClinGen allele CA382559953.
Genomic context (GRCh38, chr11:108,330,261, plus strand): 5'-TATTCTATGCAAGATACACAGTAAAGGTTCAGCGAGAGCTGGAGTTGGATGAATTAGCCC[T>C]GCGTGCACTGAAAGAGGATCGTAAACGCTTCTTATGTAAAGCAGTTGAAAATTATATCAA-3'
Protein context (NP_000042.3, residues 2442-2462): QRELELDELA[Leu2452Pro]RALKEDRKRF

ClinVar aggregate classification (germline): Likely pathogenic. Review status: reviewed by expert panel (3 of 4 stars). 7 submissions from 7 submitters: Likely pathogenic (1). 6 of the submissions do not count toward it. Last evaluated 2025-06-11.

Conditions:
ATM-related cancer predisposition. Also called: ATM-related cancer susceptibility. Identifiers: MedGen CN377759, MONDO:0700270.
Hereditary cancer-predisposing syndrome. Also called: Neoplastic Syndromes, Hereditary; Hereditary Cancer Syndrome; Tumor predisposition; Hereditary neoplastic syndrome. Identifiers: Orphanet 140162, MedGen C0027672, MeSH D009386, MONDO:0015356.
Ataxia-telangiectasia syndrome (AT). Also called: LOUIS-BAR SYNDROME; Cerebello-oculocutaneous telangiectasia; Immunodeficiency with ataxia telangiectasia; Ataxia-telangiectasia, complementation group D; AT, COMPLEMENTATION GROUP C; Ataxia-telangiectasia, complementation group E. Identifiers: Orphanet 100, MedGen C0004135, MONDO:0008840, OMIM 208900.

Allele frequency attached by ClinVar (database versions not stated): gnomAD exomes below 0.00001.
gnomAD v4.1: 2 of 1,614,204 alleles (0.00012%); highest among the groups gnomAD compares: Non-Finnish European, 0.00017%; no homozygotes.

Submissions (7):

ClinGen Hereditary Breast, Ovarian and Pancreatic Cancer Variant Curation Expert Panel, ClinGen
Classification: Likely pathogenic for ATM-related cancer predisposition. Last evaluated: 2025-06-11. Review status: reviewed by expert panel. Criteria: ClinGen HBOP ACMG Specifications ATM V1.3.0. Collection method: curation. Allele origin: germline. Inheritance: Autosomal dominant inheritance.
Comment: The c.7355T>C variant in ATM is a missense variant predicted to cause substitution of leucine by proline at amino acid 2452 (p.Leu2452Pro). This variant has been detected in at least two individuals with Ataxia-Telangiectasia (PMIDs: 19431188, 26896183). The highest population minor allele frequency in gnomAD v4.1.0 is 0.000001695 in the European (non-Finnish) population, which is lower than the HBOP threshold (≤0.00001) for PM2_Supporting, meeting this criterion. Western blotting in ATM null cells transfected with cDNA carrying this variant showed inactive phosphorylation of ATM downstream targets as compared to wild-type controls, indicating that this variant impacts protein function (PMID: 19431188). The computational predictor REVEL gives a score of 0.914, which is above the threshold of 0.733, evidence that correlates with impact to ATM function. In summary, this variant meets the criteria to be classified as likely pathogenic for autosomal dominant ATM-related cancer predisposition and autosomal recessive Ataxia-Telangiectasia based on the ACMG/AMP criteria applied as specified by the HBOP VCEP. (PM3_Strong, PM2_Supporting, PS3_Supporting, PP3)

Labcorp Genetics (formerly Invitae), Labcorp
Classification: Uncertain significance for Ataxia-telangiectasia syndrome. Last evaluated: 2025-06-04. Review status: criteria provided, single submitter. Criteria: Invitae Variant Classification Sherloc (09022015). Collection method: clinical testing. Allele origin: germline. Not counted in ClinVar's aggregate classification.
Comment: This sequence change replaces leucine, which is neutral and non-polar, with proline, which is neutral and non-polar, at codon 2452 of the ATM protein (p.Leu2452Pro). This variant is not present in population databases (gnomAD no frequency). This missense change has been observed in individual(s) with ataxia-telangiectasia (PMID: 19431188, 26896183). ClinVar contains an entry for this variant (Variation ID: 481101). Invitae Evidence Modeling of protein sequence and biophysical properties (such as structural, functional, and spatial information, amino acid conservation, physicochemical variation, residue mobility, and thermodynamic stability) indicates that this missense variant is expected to disrupt ATM protein function with a positive predictive value of 80%. Experimental studies have shown that this missense change affects ATM function (PMID: 19431188). In summary, the available evidence is currently insufficient to determine the role of this variant in disease. Therefore, it has been classified as a Variant of Uncertain Significance.

Ambry Genetics
Classification: Likely pathogenic for Hereditary cancer-predisposing syndrome. Last evaluated: 2025-01-28. Review status: criteria provided, single submitter. Criteria: Ambry Variant Classification Scheme 2023. Collection method: clinical testing. Allele origin: germline. Not counted in ClinVar's aggregate classification.
Comment: The p.L2452P variant (also known as c.7355T>C), located in coding exon 49 of the ATM gene, results from a T to C substitution at nucleotide position 7355. The leucine at codon 2452 is replaced by proline, an amino acid with similar properties. This alteration was identified in a patient with ataxia telangiectasia in conjunction with another ATM alteration, c.7638_7646del9 (Jackson TJ et al. Dev Med Child Neurol. 2016 07;58:690-7). In a functional study, this alteration showed loss of kinase activity (Barone G et al. Hum. Mutat. 2009 Aug;30:1222-30). This alteration has also been identified in 1 of 2570 Caucasian breast cancer cases and 0 of 1448 controls (Goldgar DE et al. Breast Cancer Res. 2011 Jul;13:R73). This amino acid position is well conserved in available vertebrate species. In addition, this alteration is predicted to be deleterious by in silico analysis. This variant is considered to be rare based on population cohorts in the Genome Aggregation Database (gnomAD). Based on the majority of available evidence to date, this variant is likely to be pathogenic.

Color Diagnostics, LLC DBA Color Health
Classification: Likely pathogenic for Hereditary cancer-predisposing syndrome. Last evaluated: 2023-05-23. Review status: criteria provided, single submitter. Criteria: ACMG Guidelines, 2015. Collection method: clinical testing. Allele origin: germline. Not counted in ClinVar's aggregate classification.
Comment: This missense variant replaces leucine with proline at codon 2452 of the ATM protein. Computational prediction suggests that this variant may have deleterious impact on protein structure and function (internally defined REVEL score threshold >= 0.7, PMID: 27666373). Functional studies have shown that this variant disrupted kinase activity (PMID: 19431188, 26896183). This variant has been observed in two individuals affected with autosomal recessive ataxia-telangiectasia, one of which was confirmed in the compound heterozygous state with a second pathogenic variant, indicating that this variant contributes to disease (PMID: 19431188, 26896183). This variant was also detected in a breast cancer case-control analysis (PMID: 21787400). This variant has not been identified in the general population by the Genome Aggregation Database (gnomAD). Based on the available evidence, this variant is classified as Likely Pathogenic.

Women's Health and Genetics/Laboratory Corporation of America, LabCorp
Classification: Uncertain significance. Last evaluated: 2022-09-13. Review status: criteria provided, single submitter. Criteria: LabCorp Variant Classification Summary - May 2015. Collection method: clinical testing. Allele origin: germline. Not counted in ClinVar's aggregate classification.
Comment: Variant summary: ATM c.7355T>C (p.Leu2452Pro) results in a non-conservative amino acid change in the encoded protein sequence. Five of five in-silico tools predict a damaging effect of the variant on protein function. The variant was absent in 251270 control chromosomes (gnomAD). c.7355T>C has been reported in the literature as a compound heterozygous genotype in at least one individual affected with Ataxia-Telangiectasia and has been found in at least one individual undergoing ATM sequencing for breast cancer risk (e.g. Barone_2009, Jackson_2016, Goldgar_2011). These report(s) do not provide unequivocal conclusions about association of the variant with disease. At least one publication reports experimental evidence evaluating an impact on protein function. It was found that the variant ATM protein had little to no detectable kinase activity toward downstream targets in an expression model system (e.g. Barone_2009). Three clinical diagnostic laboratories have submitted clinical-significance assessments for this variant to ClinVar after 2014 and all classified the variant as uncertain significance. Based on the evidence outlined above, the variant was classified as VUS - possibly pathogenic.

Blueprint Genetics
Classification: Uncertain significance. Last evaluated: 2022-08-26. Review status: criteria provided, single submitter. Criteria: ACMG Guidelines, 2015. Collection method: clinical testing. Allele origin: germline. Not counted in ClinVar's aggregate classification.

Counsyl
Classification: Uncertain significance for Ataxia-telangiectasia syndrome. Last evaluated: 2017-11-30. Review status: no assertion criteria provided. Collection method: clinical testing. Allele origin: unknown. Not counted in ClinVar's aggregate classification.

Literature cited by the submitters: PubMed 19431188 (cited by 5 submitters); PubMed 26896183 (cited by 4 submitters); PubMed 21787400 (cited by 3 submitters).